The following is an entry in ClinVar:

NM_017849.4(TMEM127):c.51C>G (p.Ser17Arg)

Genes: TMEM127 (transmembrane protein 127; minus strand), LOC129934333 (ATAC-STARR-seq lymphoblastoid silent region 11759; plus strand). Cytogenetic location: 2q11.2.
Variant type: single nucleotide variant.
Coding change: c.51C>G on transcript NM_017849.4 (MANE Select); coding-DNA position 51, C replaced by G.
Protein change: p.Ser17Arg; replaces serine 17 with arginine.
Molecular consequence: missense variant. On other transcripts: intron variant (1).
Genome position (GRCh38, 1-based): chr2:96,265,331, G>C on the plus strand (C>G on the coding strand, the complement: TMEM127 is on the minus strand). VCF-style: chr2-96265331-G-C. GRCh37 (hg19) VCF-style: chr2-96931069-G-C.
Other names: c.51C>G, p.Ser17Arg (NM_001193304.3); c.-9+538C>G (NM_001407283.1); short protein forms S17R.
Identifiers: ClinVar variation 2563318 (VCV002563318.2), dbSNP rs2467286026, ClinGen allele CA347656218.

ClinVar aggregate classification (germline): Uncertain significance (1 of 4 stars; one submission).

Conditions:
Hereditary cancer-predisposing syndrome. Also called: Neoplastic Syndromes, Hereditary; Hereditary Cancer Syndrome; Hereditary neoplastic syndrome; Tumor predisposition. Identifiers: Orphanet 140162, MedGen C0027672, MeSH D009386, MONDO:0015356.

Submission:

Ambry Genetics
Classification: Uncertain significance for Hereditary cancer-predisposing syndrome. Last evaluated: 2023-04-05. Review status: criteria provided, single submitter. Criteria: Ambry Variant Classification Scheme 2023. Collection method: clinical testing. Allele origin: germline.
Comment: The p.S17R variant (also known as c.51C>G), located in coding exon 1 of the TMEM127 gene, results from a C to G substitution at nucleotide position 51. The serine at codon 17 is replaced by arginine, an amino acid with dissimilar properties. This amino acid position is conserved. In addition, this alteration is predicted to be tolerated by in silico analysis. Since supporting evidence is limited at this time, the clinical significance of this alteration remains unclear.